The following is an entry in ClinVar:

NM_001378457.1(DMXL2):c.8876C>T (p.Thr2959Met)

Genes: DMXL2 (Dmx like 2; minus strand), LOC126862131 (MED14-independent group 3 enhancer GRCh37_chr15:51741640-51742839; plus strand). Cytogenetic location: 15q21.2.
Variant type: single nucleotide variant.
Coding change: c.8876C>T on transcript NM_001378457.1 (MANE Select); coding-DNA position 8876, C replaced by T.
Protein change: p.Thr2959Met; replaces threonine 2959 with methionine.
Molecular consequence: missense variant. On other transcripts: non-coding transcript variant (2).
Genome position (GRCh38, 1-based): chr15:51,450,220, G>A on the plus strand (C>T on the coding strand, the complement: DMXL2 is on the minus strand). VCF-style: chr15-51450220-G-A. GRCh37 (hg19) VCF-style: chr15-51742417-G-A.
Other names: c.8813C>T, p.Thr2938Met (NM_001174116.3); c.6902C>T, p.Thr2301Met (NM_001174117.3); c.8873C>T, p.Thr2958Met (NM_001378458.1); c.8588C>T, p.Thr2863Met (NM_001378459.1); c.6791C>T, p.Thr2264Met (NM_001378460.1); c.8810C>T, p.Thr2937Met (NM_015263.5); c.8813C>T (NM_001174116.1); short protein forms T2863M, T2937M, T2959M, T2301M, T2938M, T2264M, T2958M.
Identifiers: ClinVar variation 1387364 (VCV001387364.8), dbSNP rs374931009, ClinGen allele CA7560878.

ClinVar aggregate classification (germline): Uncertain significance. Review status: criteria provided, multiple submitters, no conflicts (2 of 4 stars). 2 submissions from 2 submitters: Uncertain significance (2). Last evaluated 2025-11-20.

Conditions:
Inborn genetic diseases. Identifiers: MedGen C0950123, MeSH D030342.

Allele frequency attached by ClinVar (database versions not stated): gnomAD exomes 0.00007; TOPMed 0.00008; gnomAD 0.00007 and 0.00006; ESP Exome Variant Server 0.00008; ExAC 0.00008; 1000 Genomes Project 0.00020; 1000 Genomes Project 30x 0.00016.

Submissions (2):

Ambry Genetics
Classification: Uncertain significance for Inborn genetic diseases. Last evaluated: 2025-11-20. Review status: criteria provided, single submitter. Criteria: Ambry Variant Classification Scheme 2023. Collection method: clinical testing. Allele origin: germline.

Labcorp Genetics (formerly Invitae), Labcorp
Classification: Uncertain significance. Last evaluated: 2022-07-02. Review status: criteria provided, single submitter. Criteria: Invitae Variant Classification Sherloc (09022015). Collection method: clinical testing. Allele origin: germline.
Comment: This sequence change replaces threonine, which is neutral and polar, with methionine, which is neutral and non-polar, at codon 2938 of the DMXL2 protein (p.Thr2938Met). This variant is present in population databases (rs374931009, gnomAD 0.01%). This variant has not been reported in the literature in individuals affected with DMXL2-related conditions. ClinVar contains an entry for this variant (Variation ID: 1387364). Algorithms developed to predict the effect of missense changes on protein structure and function are either unavailable or do not agree on the potential impact of this missense change (SIFT: "Deleterious"; PolyPhen-2: "Probably Damaging"; Align-GVGD: "Class C0"). In summary, the available evidence is currently insufficient to determine the role of this variant in disease. Therefore, it has been classified as a Variant of Uncertain Significance.